The following is an entry in ClinVar:

NM_001128126.3(AP4S1):c.9dup (p.Phe4fs)

Gene: AP4S1 (adaptor related protein complex 4 subunit sigma 1; plus strand). Cytogenetic location: 14q12.
Variant type: Duplication.
Coding change: c.9dup on transcript NM_001128126.3 (MANE Select); coding-DNA position 9, one base duplicated (A; older notation c.9dupA).
Protein change: p.Phe4fs; shifts the reading frame from phenylalanine 4.
Molecular consequence: frameshift variant.
Genome position (GRCh38, 1-based): chr14:31,066,205, A duplicated; the last of 4 consecutive A bases (chr14:31,066,202-31,066,205); duplicating any one gives the same sequence. VCF-style (leftmost placement, unchanged base first): chr14-31066201-T-TA. GRCh37 (hg19) VCF-style: chr14-31535407-T-TA.
Other names: c.9dup, p.Phe4fs (NM_001254726.2, NM_001254727.2, NM_001254728.2 and 2 more transcripts); short protein forms F4fs.
Identifiers: ClinVar variation 2732953 (VCV002732953.3), dbSNP rs2502388612, ClinGen allele CA485831799.
Genomic context (GRCh38, chr14:31,066,201, plus strand): 5'-ATCCCTTGTCATAACTTTTGAACTGTATTTGGAAAAATACTGGCCAGGAAAGAAAAATGA[T>TA]AAAATTTTTCCTCATGGTGAATAAACAAGGGCAGACTCGACTTTCTAAGTACTATGAACA-3'

ClinVar aggregate classification (germline): Pathogenic (1 of 4 stars; one submission).

Conditions:
Spastic paraplegia. Identifiers: MedGen C0037772, HP:0001258.

Submission:

Labcorp Genetics (formerly Invitae), Labcorp
Classification: Pathogenic for Spastic paraplegia. Last evaluated: 2022-11-24. Review status: criteria provided, single submitter. Criteria: Invitae Variant Classification Sherloc (09022015). Collection method: clinical testing. Allele origin: germline.
Comment: This sequence change creates a premature translational stop signal (p.Phe4Ilefs*7) in the AP4S1 gene. It is expected to result in an absent or disrupted protein product. Loss-of-function variants in AP4S1 are known to be pathogenic (PMID: 21620353, 25552650, 27444738). This variant is not present in population databases (gnomAD no frequency). This variant has not been reported in the literature in individuals affected with AP4S1-related conditions. For these reasons, this variant has been classified as Pathogenic.

Literature cited by the submitters: PubMed 21620353; PubMed 25552650; PubMed 27444738.